The following is an entry in ClinVar:

ClinVar aggregate classification (germline): Conflicting classifications of pathogenicity. Review status: criteria provided, conflicting classifications (1 of 4 stars). 2 submissions from 2 submitters: Likely pathogenic (1); Uncertain significance (1). Last evaluated 2023-10-27.

Conditions:
Primary hyperoxaluria, type I (HP1). Also called: Primary hyperoxaluria type 1; GLYCOLIC ACIDURIA; HEPATIC AGT DEFICIENCY; OXALOSIS I. Identifiers: Orphanet 416, Orphanet 93598, MedGen C0268164, MONDO:0009823, OMIM 259900. Disease mechanism: loss of function.

Allele frequency attached by ClinVar (database versions not stated): gnomAD exomes below 0.00001; ExAC 0.00001.

Submissions (2):

Rare Kidney Stone Consortium and the Mayo Clinic Hyperoxaluria Center, Mayo Clinic
Classification: Likely pathogenic for Primary hyperoxaluria, type I. Last evaluated: 2023-10-27. Review status: criteria provided, single submitter. Criteria: ACMG Guidelines, 2015. Collection method: clinical testing. Allele origin: germline. Affected: yes.
Comment: ACMG:PM2 PM5 PP3 PP5

Labcorp Genetics (formerly Invitae), Labcorp
Classification: Uncertain significance. Last evaluated: 2021-12-13. Review status: criteria provided, single submitter. Criteria: Invitae Variant Classification Sherloc (09022015). Collection method: clinical testing. Allele origin: germline.
Comment: This variant is present in population databases (rs760666036, gnomAD 0.01%). This sequence change replaces glycine, which is neutral and non-polar, with aspartic acid, which is acidic and polar, at codon 63 of the AGXT protein (p.Gly63Asp). In summary, the available evidence is currently insufficient to determine the role of this variant in disease. Therefore, it has been classified as a Variant of Uncertain Significance. This variant disrupts the p.Gly63 amino acid residue in AGXT. Other variant(s) that disrupt this residue have been observed in individuals with AGXT-related conditions (PMID: 22956877), which suggests that this may be a clinically significant amino acid residue. Advanced modeling of protein sequence and biophysical properties (such as structural, functional, and spatial information, amino acid conservation, physicochemical variation, residue mobility, and thermodynamic stability) performed at Invitae indicates that this missense variant is expected to disrupt AGXT protein function. This missense change has been observed in individual(s) with hyperoxaluria (PMID: 25644115).

Literature cited by the submitters: PubMed 25644115 (cited by Rare Kidney Stone Consortium and the Mayo Clinic Hyperoxaluria Center, Mayo Clinic and Labcorp Genetics (formerly Invitae), Labcorp); PubMed 22956877 (cited by Labcorp Genetics (formerly Invitae), Labcorp).

NM_000030.3(AGXT):c.188G>A (p.Gly63Asp)

Gene: AGXT (alanine--glyoxylate aminotransferase; plus strand). Cytogenetic location: 2q37.3.
Variant type: single nucleotide variant.
Coding change: c.188G>A on transcript NM_000030.3 (MANE Select); coding-DNA position 188, G replaced by A.
Protein change: p.Gly63Asp; replaces glycine 63 with aspartic acid.
Molecular consequence: missense variant.
Genome position (GRCh38, 1-based): chr2:240,869,192, G>A. VCF-style: chr2-240869192-G-A. GRCh37 (hg19) VCF-style: chr2-241808609-G-A.
Other names: c.188G>A (NM_000030.2); short protein forms G63D.
Identifiers: ClinVar variation 2203296 (VCV002203296.5), dbSNP rs760666036, ClinGen allele CA2209032.